The following is an entry in ClinVar:

NM_031935.3(HMCN1):c.11612C>A (p.Thr3871Asn)

Gene: HMCN1 (hemicentin 1; plus strand). Cytogenetic location: 1q31.1.
Variant type: single nucleotide variant.
Coding change: c.11612C>A on transcript NM_031935.3 (MANE Select); coding-DNA position 11612, C replaced by A.
Protein change: p.Thr3871Asn; replaces threonine 3871 with asparagine.
Molecular consequence: missense variant.
Genome position (GRCh38, 1-based): chr1:186,117,044, C>A. VCF-style: chr1-186117044-C-A. GRCh37 (hg19) VCF-style: chr1-186086176-C-A.
Other names: short protein forms T3871N.
Identifiers: ClinVar variation 3673498 (VCV003673498.2).

ClinVar aggregate classification (germline): Uncertain significance (1 of 4 stars; one submission).

Submission:

Labcorp Genetics (formerly Invitae), Labcorp
Classification: Uncertain significance. Last evaluated: 2024-09-23. Review status: criteria provided, single submitter. Criteria: Invitae Variant Classification Sherloc (09022015). Collection method: clinical testing. Allele origin: germline.
Comment: This sequence change replaces threonine, which is neutral and polar, with asparagine, which is neutral and polar, at codon 3871 of the HMCN1 protein (p.Thr3871Asn). This variant is not present in population databases (gnomAD no frequency). This variant has not been reported in the literature in individuals affected with HMCN1-related conditions. An algorithm developed to predict the effect of missense changes on protein structure and function (PolyPhen-2) suggests that this variant is likely to be disruptive. In summary, the available evidence is currently insufficient to determine the role of this variant in disease. Therefore, it has been classified as a Variant of Uncertain Significance.